The following is an entry in ClinVar:

NM_002470.4(MYH3):c.37G>T (p.Ala13Ser)

Gene: MYH3 (myosin heavy chain 3; minus strand). Cytogenetic location: 17p13.1.
Variant type: single nucleotide variant.
Coding change: c.37G>T on transcript NM_002470.4 (MANE Select); coding-DNA position 37, G replaced by T.
Protein change: p.Ala13Ser; replaces alanine 13 with serine.
Molecular consequence: missense variant.
Genome position (GRCh38, 1-based): chr17:10,655,028, C>A on the plus strand (G>T on the coding strand, the complement: MYH3 is on the minus strand). VCF-style: chr17-10655028-C-A. GRCh37 (hg19) VCF-style: chr17-10558345-C-A.
Other names: short protein forms A13S.
Identifiers: ClinVar variation 4800689 (VCV004800689.1).

ClinVar aggregate classification (germline): Uncertain significance (1 of 4 stars; one submission).

Submission:

Labcorp Genetics (formerly Invitae), Labcorp
Classification: Uncertain significance. Last evaluated: 2025-08-26. Review status: criteria provided, single submitter. Criteria: Invitae Variant Classification Sherloc (09022015). Collection method: clinical testing. Allele origin: germline.
Comment: This sequence change replaces alanine, which is neutral and non-polar, with serine, which is neutral and polar, at codon 13 of the MYH3 protein (p.Ala13Ser). This variant is not present in population databases (gnomAD no frequency). This variant has not been reported in the literature in individuals affected with MYH3-related conditions. Invitae Evidence Modeling of protein sequence and biophysical properties (such as structural, functional, and spatial information, amino acid conservation, physicochemical variation, residue mobility, and thermodynamic stability) has been performed for this missense variant. However, the output from this modeling did not meet the statistical confidence thresholds required to predict the impact of this variant on MYH3 protein function. In summary, the available evidence is currently insufficient to determine the role of this variant in disease. Therefore, it has been classified as a Variant of Uncertain Significance.